The following is an entry in ClinVar:

NM_201384.3(PLEC):c.12672C>T (p.Ala4224=)

Gene: PLEC (plectin; minus strand). Cytogenetic location: 8q24.3.
Variant type: single nucleotide variant.
Coding change: c.12672C>T on transcript NM_201384.3 (MANE Select); coding-DNA position 12672, C replaced by T.
Protein change: p.Ala4224=; no amino-acid change (alanine 4224 retained).
Molecular consequence: synonymous variant.
Genome position (GRCh38, 1-based): chr8:143,917,149, G>A on the plus strand (C>T on the coding strand, the complement: PLEC is on the minus strand). VCF-style: chr8-143917149-G-A. GRCh37 (hg19) VCF-style: chr8-144991317-G-A.
Other names: c.12753C>T (NM_000445.4); c.12753C>T, p.Ala4251= (NM_000445.5); c.12630C>T, p.Ala4210= (NM_201378.4); c.12606C>T, p.Ala4202= (NM_201379.3); c.13083C>T, p.Ala4361= (NM_201380.4); c.12576C>T, p.Ala4192= (NM_201381.3); c.12672C>T, p.Ala4224= (NM_201382.4); c.12684C>T, p.Ala4228= (NM_201383.3).
Identifiers: ClinVar variation 1674535 (VCV001674535.33), dbSNP rs374949959, ClinGen allele CA4924019.

ClinVar aggregate classification (germline): Likely benign. Review status: criteria provided, multiple submitters, no conflicts (2 of 4 stars). 3 submissions from 3 submitters: Likely benign (3). Last evaluated 2026-01-13.

Conditions:
PLEC-related disorder. Also called: PLEC-related disorders; PLEC-related condition.
Epidermolysis bullosa simplex 5B, with muscular dystrophy (EBS5B). Also called: EPIDERMOLYSIS BULLOSA SIMPLEX AND LIMB-GIRDLE MUSCULAR DYSTROPHY; Epidermolysis bullosa simplex with muscular dystrophy. Identifiers: Orphanet 257, MedGen C2931072, MONDO:0009181, OMIM 226670.
Epidermolysis bullosa simplex 5C, with pyloric atresia (EBS5C). Also called: PLEC-Related Epidermolysis Bullosa with Pyloric Atresia; Epidermolysis bullosa simplex with pyloric atresia; PLEC1-Related Epidermolysis Bullosa with Pyloric Atresia. Identifiers: Orphanet 158684, MedGen C2677349, MONDO:0012807, OMIM 612138.
Epidermolysis bullosa simplex with nail dystrophy (EBS5D). Identifiers: MedGen C4225309, MONDO:0014661, OMIM 616487.
Autosomal recessive limb-girdle muscular dystrophy type 2Q (LGMDR17). Also called: MUSCULAR DYSTROPHY, LIMB-GIRDLE, AUTOSOMAL RECESSIVE 17. Identifiers: Orphanet 254361, MedGen C3150989, MONDO:0013390, OMIM 613723.
Epidermolysis bullosa simplex, Ogna type (EBS5A). Also called: Pidermolysis bullosa simplex 5A, Ogna type; EPIDERMOLYSIS BULLOSA SIMPLEX 5A, OGNA TYPE. Identifiers: Orphanet 79401, MedGen C0432317, MONDO:0007555, OMIM 131950.

Allele frequency attached by ClinVar (database versions not stated): TOPMed 0.00007; gnomAD 0.00009; gnomAD exomes 0.00009 and 0.00012; ExAC 0.00010; ESP Exome Variant Server 0.00016.
gnomAD v4.1: 185 of 1,605,434 alleles (0.012%); highest among the groups gnomAD compares: Non-Finnish European, 0.014%; no homozygotes.

Submissions (3):

PreventionGenetics, part of Exact Sciences
Classification: Likely benign for PLEC-related condition. Last evaluated: 2026-01-13. Review status: criteria provided, single submitter. Criteria: ACMG Guidelines, 2015. Collection method: clinical testing. Allele origin: germline.
Comment: This variant is classified as likely benign based on ACMG/AMP sequence variant interpretation guidelines (Richards et al. 2015 PMID: 25741868, with internal and published modifications).

Labcorp Genetics (formerly Invitae), Labcorp
Classification: Likely benign for Autosomal recessive limb-girdle muscular dystrophy type 2Q; Epidermolysis bullosa simplex, Ogna type; Epidermolysis bullosa simplex with nail dystrophy; Epidermolysis bullosa simplex 5C, with pyloric atresia; Epidermolysis bullosa simplex 5B, with muscular dystrophy. Last evaluated: 2025-10-02. Review status: criteria provided, single submitter. Criteria: Invitae Variant Classification Sherloc (09022015). Collection method: clinical testing. Allele origin: germline.

CeGaT Center for Human Genetics Tuebingen
Classification: Likely benign. Last evaluated: 2023-02-01. Review status: criteria provided, single submitter. Criteria: CeGaT Center For Human Genetics Tuebingen Variant Classification Criteria Version 2. Collection method: clinical testing. Allele origin: germline. Affected: yes. Observed: 1 variant allele.
Comment: PLEC: BP4, BP7